The following is an entry in ClinVar:

ClinVar aggregate classification (germline): Uncertain significance (1 of 4 stars; one submission).

Submission:

Mayo Clinic Laboratories, Mayo Clinic
Classification: Uncertain significance. Last evaluated: 2025-06-10. Review status: criteria provided, single submitter. Criteria: ACMG Guidelines, 2015. Collection method: clinical testing. Allele origin: germline. Observed: 1 variant allele.
Comment: PM2_supporting, PVS1_strong

NM_000342.4(SLC4A1):c.2656-2A>G

Gene: SLC4A1 (solute carrier family 4 member 1 (Diego blood group); minus strand). Cytogenetic location: 17q21.31.
Variant type: single nucleotide variant.
Coding change: c.2656-2A>G on transcript NM_000342.4 (MANE Select); the canonical splice acceptor site of the intron before coding-DNA position 2656, A replaced by G.
Molecular consequence: splice acceptor variant.
Genome position (GRCh38, 1-based): chr17:44,250,540, T>C on the plus strand (A>G on the coding strand, the complement: SLC4A1 is on the minus strand). VCF-style: chr17-44250540-T-C. GRCh37 (hg19) VCF-style: chr17-42327908-T-C.
Other names: p.?.
Identifiers: ClinVar variation 4542161 (VCV004542161.1).